The following is an entry in ClinVar:

NM_001007792.1(NTRK1):c.9+141A>G

Genes: SH2D2A (SH2 domain containing 2A; minus strand), NTRK1 (neurotrophic receptor tyrosine kinase 1; plus strand). Cytogenetic location: 1q23.1.
Variant type: single nucleotide variant.
Coding change: c.9+141A>G on transcript NM_001007792.1; 141 bases into the intron after coding-DNA position 9, A replaced by G.
Molecular consequence: intron variant.
Genome position (GRCh38, 1-based): chr1:156,815,979, A>G. VCF-style: chr1-156815979-A-G. GRCh37 (hg19) VCF-style: chr1-156785771-A-G.
Other names: c.69+27T>C (NM_001161442.2); c.123+27T>C (NM_003975.4, NM_001161441.2, NM_001161444.2); c.39+27T>C (NM_001161443.2).
Identifiers: ClinVar variation 667767 (VCV000667767.7), dbSNP rs7546838, ClinGen allele CA1167424.

ClinVar aggregate classification (germline): Benign. Review status: criteria provided, multiple submitters, no conflicts (2 of 4 stars). 3 submissions from 3 submitters: Benign (3). Last evaluated 2021-07-08.

Conditions:
Hereditary insensitivity to pain with anhidrosis (CIPA). Also called: HSAN Type IV; hereditary sensory and autonomic neuropathy type 4; INSENSITIVITY TO PAIN, CONGENITAL, WITH ANHIDROSIS; FAMILIAL DYSAUTONOMIA, TYPE II; NTRK1 Congenital Insensitivity to Pain with Anhidrosis; NEUROPATHY, CONGENITAL SENSORY, WITH ANHIDROSIS. Identifiers: Orphanet 642, MedGen C0020074, MONDO:0009746, OMIM 256800.

Allele frequency attached by ClinVar (database versions not stated): gnomAD 0.58984 and 0.59719; TOPMed 0.59652; 1000 Genomes Project 30x 0.60618; gnomAD exomes 0.64738 and 0.64083; 1000 Genomes Project 0.61601; ESP Exome Variant Server 0.57620; ExAC 0.63358.
gnomAD v4.1: 1,033,651 of 1,608,350 alleles (64%); highest among the groups gnomAD compares: East Asian, 82%; 335,119 homozygotes.

Submissions (3):

Genome-Nilou Lab
Classification: Benign for Hereditary insensitivity to pain with anhidrosis. Last evaluated: 2021-07-08. Review status: criteria provided, single submitter. Criteria: ACMG Guidelines, 2015. Collection method: clinical testing. Allele origin: germline. Affected: no.

GeneDx
Classification: Benign. Last evaluated: 2018-06-14. Review status: criteria provided, single submitter. Criteria: GeneDx Variant Classification (06012015). Collection method: clinical testing. Allele origin: germline. Affected: yes.
Comment: This variant is considered likely benign or benign based on one or more of the following criteria: it is a conservative change, it occurs at a poorly conserved position in the protein, it is predicted to be benign by multiple in silico algorithms, and/or has population frequency not consistent with disease.

Breakthrough Genomics
Classification: Benign. Review status: criteria provided, single submitter. Criteria: ACMG Guidelines, 2015. Collection method: not provided. Allele origin: germline. Inheritance: Unknown mechanism. Affected: yes.